The following is an entry in ClinVar:

ClinVar aggregate classification (germline): Pathogenic/Likely pathogenic. Review status: criteria provided, multiple submitters, no conflicts (2 of 4 stars). 2 submissions from 2 submitters: Pathogenic (1); Likely pathogenic (1). Last evaluated 2025-06-29.

Conditions:
Neurofibromatosis, type 1 (NF1). Also called: NEUROFIBROMATOSIS, TYPE I, SOMATIC; VON RECKLINGHAUSEN DISEASE; Peripheral type neurofibromatosis; Neurofibromatosis, type I. Identifiers: Orphanet 636, MedGen C0027831, MONDO:0018975, OMIM 162200. Disease mechanism: loss of function.

Submissions (2):

Labcorp Genetics (formerly Invitae), Labcorp
Classification: Likely pathogenic for Neurofibromatosis, type 1. Last evaluated: 2025-06-29. Review status: criteria provided, single submitter. Criteria: Invitae Variant Classification Sherloc (09022015). Collection method: clinical testing. Allele origin: germline.
Comment: This sequence change falls in intron 13 of the NF1 gene. It does not directly change the encoded amino acid sequence of the NF1 protein. It affects a nucleotide within the consensus splice site. This variant is not present in population databases (gnomAD no frequency). This variant has been observed in individual(s) with neurofibromatosis type 1 (PMID: 36612057; internal data). ClinVar contains an entry for this variant (Variation ID: 624115). Variants that disrupt the consensus splice site are a relatively common cause of aberrant splicing (PMID: 17576681, 9536098). Algorithms developed to predict the effect of sequence changes on RNA splicing suggest that this variant may disrupt the consensus splice site. This variant disrupts the c.1527+5G> nucleotide in the NF1 gene. Other variant(s) that disrupt this nucleotide have been determined to be pathogenic (PMID: 17311297; internal data). This suggests that this nucleotide is clinically significant, and that variants that disrupt this position are likely to be disease-causing. In summary, the currently available evidence indicates that the variant is pathogenic, but additional data are needed to prove that conclusively. Therefore, this variant has been classified as Likely Pathogenic.

CeGaT Center for Human Genetics Tuebingen
Classification: Pathogenic. Last evaluated: 2018-09-01. Review status: criteria provided, single submitter. Criteria: CeGaT Center For Human Genetics Tuebingen Variant Classification Criteria Version 2. Collection method: clinical testing. Allele origin: germline. Affected: yes. Observed: 1 variant allele.

Literature cited by the submitters: PubMed 36612057 (cited by Labcorp Genetics (formerly Invitae), Labcorp); PubMed 17576681 (cited by Labcorp Genetics (formerly Invitae), Labcorp); PubMed 9536098 (cited by Labcorp Genetics (formerly Invitae), Labcorp); PubMed 17311297 (cited by Labcorp Genetics (formerly Invitae), Labcorp).

NM_001042492.3(NF1):c.1527+5G>T

Gene: NF1 (neurofibromin 1; plus strand). Cytogenetic location: 17q11.2.
Variant type: single nucleotide variant.
Coding change: c.1527+5G>T on transcript NM_001042492.3 (MANE Select); 5 bases into the intron after coding-DNA position 1527, G replaced by T.
Molecular consequence: intron variant.
Genome position (GRCh38, 1-based): chr17:31,214,590, G>T. VCF-style: chr17-31214590-G-T. GRCh37 (hg19) VCF-style: chr17-29541608-G-T.
Other names: c.1527+5G>T (NM_000267.4, NM_001128147.3).
Identifiers: ClinVar variation 624115 (VCV000624115.46), dbSNP rs1060500352, ClinGen allele CA913190925.